The following is an entry in ClinVar:

NM_000218.3(KCNQ1):c.324C>T (p.Gly108=)

Gene: KCNQ1 (potassium voltage-gated channel subfamily Q member 1; plus strand). Cytogenetic location: 11p15.5.
Variant type: single nucleotide variant.
Coding change: c.324C>T on transcript NM_000218.3 (MANE Select); coding-DNA position 324, C replaced by T.
Protein change: p.Gly108=; no amino-acid change (glycine 108 retained).
Molecular consequence: synonymous variant.
Genome position (GRCh38, 1-based): chr11:2,445,422, C>T. VCF-style: chr11-2445422-C-T. GRCh37 (hg19) VCF-style: chr11-2466652-C-T.
Identifiers: ClinVar variation 506501 (VCV000506501.4), dbSNP rs372757312, ClinGen allele CA035036.
Genomic context (GRCh38, chr11:2,445,422, plus strand): 5'-CCCGCGCGTCTCCATCTACAGCACGCGCCGCCCGGTGTTGGCGCGCACCCACGTCCAGGG[C>T]CGCGTCTACAACTTCCTCGAGCGTCCCACCGGCTGGAAATGCTTCGTTTACCACTTCGCC-3'
Protein context (NP_000209.2, residues 98-118): RPVLARTHVQ[Gly108=]RVYNFLERPT

ClinVar aggregate classification (germline): Likely benign. Review status: criteria provided, multiple submitters, no conflicts (2 of 4 stars). 2 submissions from 2 submitters: Likely benign (2). Last evaluated 2024-03-11.

Conditions:
Long QT syndrome (LQTS). Identifiers: MedGen C0023976, MeSH D008133, MONDO:0002442. Disease mechanism: loss of function. Inheritance: Various modes of inheritance.

Allele frequency attached by ClinVar (database versions not stated): ExAC 0.00001; gnomAD 0.00001; gnomAD exomes 0.00001; TOPMed 0.00001; ESP Exome Variant Server 0.00008.
gnomAD v4.1: 4 of 1,597,758 alleles (0.00025%); highest among the groups gnomAD compares: Admixed American, 0.0033%; no homozygotes.

Submissions (2):

Labcorp Genetics (formerly Invitae), Labcorp
Classification: Likely benign for Long QT syndrome. Last evaluated: 2024-03-11. Review status: criteria provided, single submitter. Criteria: Invitae Variant Classification Sherloc (09022015). Collection method: clinical testing. Allele origin: germline.

GeneDx
Classification: Likely benign. Last evaluated: 2017-10-20. Review status: criteria provided, single submitter. Criteria: GeneDx Variant Classification (06012015). Collection method: clinical testing. Allele origin: germline. Affected: yes.
Comment: This variant is considered likely benign or benign based on one or more of the following criteria: it is a conservative change, it occurs at a poorly conserved position in the protein, it is predicted to be benign by multiple in silico algorithms, and/or has population frequency not consistent with disease.